The following is an entry in ClinVar:

NM_001367561.1(DOCK7):c.767T>C (p.Ile256Thr)

Gene: DOCK7 (dedicator of cytokinesis 7; minus strand). Cytogenetic location: 1p31.3.
Variant type: single nucleotide variant.
Coding change: c.767T>C on transcript NM_001367561.1 (MANE Select); coding-DNA position 767, T replaced by C.
Protein change: p.Ile256Thr; replaces isoleucine 256 with threonine.
Molecular consequence: missense variant.
Genome position (GRCh38, 1-based): chr1:62,647,742, A>G on the plus strand (T>C on the coding strand, the complement: DOCK7 is on the minus strand). VCF-style: chr1-62647742-A-G. GRCh37 (hg19) VCF-style: chr1-63113413-A-G.
Other names: c.767T>C, p.Ile256Thr (NM_001271999.2, NM_001272000.2, NM_001272001.2 and 3 more transcripts); short protein forms I256T.
Identifiers: ClinVar variation 641502 (VCV000641502.1), dbSNP rs1387467473, ClinGen allele CA340626441.

ClinVar aggregate classification (germline): Uncertain significance (1 of 4 stars; one submission).

Conditions:
Developmental and epileptic encephalopathy, 23 (DEE23). Also called: Epileptic encephalopathy, early infantile, 23. Identifiers: Orphanet 411986, MedGen C4014492, MONDO:0014371, OMIM 615859.

Allele frequency attached by ClinVar (database versions not stated): gnomAD exomes below 0.00001 and 0.00001; TOPMed below 0.00001; gnomAD 0.00001.
gnomAD v4.1: 9 of 1,610,774 alleles (0.00056%); highest among the groups gnomAD compares: South Asian, 0.0011%; no homozygotes.

Submission:

Labcorp Genetics (formerly Invitae), Labcorp
Classification: Uncertain significance for Epileptic encephalopathy, early infantile, 23. Last evaluated: 2018-08-29. Review status: criteria provided, single submitter. Criteria: Invitae Variant Classification Sherloc (09022015). Collection method: clinical testing. Allele origin: germline.
Comment: This sequence change replaces isoleucine with threonine at codon 256 of the DOCK7 protein (p.Ile256Thr). The isoleucine residue is weakly conserved and there is a moderate physicochemical difference between isoleucine and threonine. This variant is not present in population databases (ExAC no frequency). This variant has not been reported in the literature in individuals with DOCK7-related disease. Algorithms developed to predict the effect of missense changes on protein structure and function are either unavailable or do not agree on the potential impact of this missense change (SIFT: "Deleterious"; PolyPhen-2: "Benign"; Align-GVGD: "Class C0"). In summary, the available evidence is currently insufficient to determine the role of this variant in disease. Therefore, it has been classified as a Variant of Uncertain Significance.